The following is an entry in ClinVar:

ClinVar aggregate classification (germline): Conflicting classifications of pathogenicity. Review status: criteria provided, conflicting classifications (1 of 4 stars). 4 submissions from 4 submitters: Uncertain significance (1); Likely benign (3). Last evaluated 2024-05-26.

Conditions:
Hereditary cancer-predisposing syndrome. Also called: Neoplastic Syndromes, Hereditary; Hereditary Cancer Syndrome; Tumor predisposition; Hereditary neoplastic syndrome. Identifiers: Orphanet 140162, MedGen C0027672, MeSH D009386, MONDO:0015356.
Ataxia-telangiectasia syndrome (AT). Also called: LOUIS-BAR SYNDROME; Cerebello-oculocutaneous telangiectasia; Immunodeficiency with ataxia telangiectasia; Ataxia-telangiectasia, complementation group D; AT, COMPLEMENTATION GROUP C; Ataxia-telangiectasia, complementation group E. Identifiers: Orphanet 100, MedGen C0004135, MONDO:0008840, OMIM 208900.

gnomAD v4.1: 2 of 1,609,606 alleles (0.00012%); highest among the groups gnomAD compares: Non-Finnish European, 0.00017%; no homozygotes.

Submissions (4):

Labcorp Genetics (formerly Invitae), Labcorp
Classification: Likely benign for Ataxia-telangiectasia syndrome. Last evaluated: 2024-05-26. Review status: criteria provided, single submitter. Criteria: Invitae Variant Classification Sherloc (09022015). Collection method: clinical testing. Allele origin: germline.

Color Diagnostics, LLC DBA Color Health
Classification: Uncertain significance for Hereditary cancer-predisposing syndrome. Last evaluated: 2019-11-25. Review status: criteria provided, single submitter. Criteria: ACMG Guidelines, 2015. Collection method: clinical testing. Allele origin: germline.
Comment: This variant causes an A>C nucleotide substitution at the +5 position of intron 61 of the ATM gene. To our knowledge, functional studies have not been performed for this variant. This variant has not been reported in individuals affected with hereditary cancer in the literature. This variant has not been identified in the general population by the Genome Aggregation Database (gnomAD). The available evidence is insufficient to determine the role of this variant in disease conclusively. Therefore, this variant is classified as a Variant of Uncertain Significance.

Ambry Genetics
Classification: Likely benign for Hereditary cancer-predisposing syndrome. Last evaluated: 2018-05-23. Review status: criteria provided, single submitter. Criteria: Ambry Variant Classification Scheme 2023. Collection method: clinical testing. Allele origin: germline.

GeneDx
Classification: Likely benign. Last evaluated: 2016-04-08. Review status: criteria provided, single submitter. Criteria: GeneDx Variant Classification (06012015). Collection method: clinical testing. Allele origin: germline. Affected: yes.
Comment: This variant is considered likely benign or benign based on one or more of the following criteria: it is a conservative change, it occurs at a poorly conserved position in the protein, it is predicted to be benign by multiple in silico algorithms, and/or has population frequency not consistent with disease.

NM_000051.4(ATM):c.8850+5A>C

Genes: ATM (ATM serine/threonine kinase; plus strand), C11orf65 (chromosome 11 open reading frame 65; minus strand). Cytogenetic location: 11q22.3.
Variant type: single nucleotide variant.
Coding change: c.8850+5A>C on transcript NM_000051.4 (MANE Select); 5 bases into the intron after coding-DNA position 8850, A replaced by C.
Molecular consequence: intron variant.
Genome position (GRCh38, 1-based): chr11:108,354,879, A>C. VCF-style: chr11-108354879-A-C. GRCh37 (hg19) VCF-style: chr11-108225606-A-C.
Other names: c.8850+5A>C (NM_001351834.2); c.640+31041T>G (NM_001330368.2); c.695-19587T>G (NM_001351110.2).
Identifiers: ClinVar variation 385316 (VCV000385316.28), dbSNP rs1057522186, ClinGen allele CA16606221.